The following is an entry in ClinVar:

NM_152722.5(HEPACAM):c.160T>A (p.Ser54Thr)

Gene: HEPACAM (hepatic and glial cell adhesion molecule; minus strand). Cytogenetic location: 11q24.2.
Variant type: single nucleotide variant.
Coding change: c.160T>A on transcript NM_152722.5 (MANE Select); coding-DNA position 160, T replaced by A.
Protein change: p.Ser54Thr; replaces serine 54 with threonine.
Molecular consequence: missense variant.
Genome position (GRCh38, 1-based): chr11:124,924,995, A>T on the plus strand (T>A on the coding strand, the complement: HEPACAM is on the minus strand). VCF-style: chr11-124924995-A-T. GRCh37 (hg19) VCF-style: chr11-124794891-A-T.
Other names: c.160T>A, p.Ser54Thr (NM_001411043.1, NM_001441320.1); short protein forms S54T.
Identifiers: ClinVar variation 4984284 (VCV004984284.1).

ClinVar aggregate classification (germline): Uncertain significance (1 of 4 stars; one submission).

Conditions:
HEPACAM-related disorder. Also called: HEPACAM-related condition.

gnomAD v4.1: 15 of 1,609,012 alleles (0.00093%); highest among the groups gnomAD compares: Non-Finnish European, 0.0012%; no homozygotes.

Submission:

PreventionGenetics, part of Exact Sciences
Classification: Uncertain significance for HEPACAM-related condition. Last evaluated: 2026-07-02. Review status: criteria provided, single submitter. Criteria: ACMG Guidelines, 2015. Collection method: clinical testing. Allele origin: germline.
Comment: The HEPACAM c.160T>A variant is predicted to result in the amino acid substitution p.Ser54Thr. To our knowledge, this variant has not been reported in the literature. This variant is reported in 0.0018% of alleles in individuals of European (Non-Finnish) descent in gnomAD. At this time, the clinical significance of this variant is uncertain due to the absence of conclusive functional and genetic evidence.